The following is an entry in ClinVar:

ClinVar aggregate classification (germline): Conflicting classifications of pathogenicity. Review status: criteria provided, conflicting classifications (1 of 4 stars). 9 submissions from 9 submitters: Uncertain significance (4); Likely benign (4). 1 of the submissions does not count toward it. Last evaluated 2026-01-28.

Conditions:
Bardet-Biedl syndrome (BBS). Identifiers: Orphanet 110, MedGen C0752166, MONDO:0015229.
Bardet-Biedl syndrome 10 (BBS10). Identifiers: Orphanet 110, MedGen C1859568, MONDO:0014438, OMIM 615987.

Allele frequency attached by ClinVar (database versions not stated): gnomAD exomes 0.00016 and 0.00035; ExAC 0.00052; ESP Exome Variant Server 0.00100; gnomAD 0.00147 and 0.00159; TOPMed 0.00163; 1000 Genomes Project 30x 0.00172; 1000 Genomes Project 0.00200.

Submissions (9):

Labcorp Genetics (formerly Invitae), Labcorp
Classification: Likely benign for Bardet-Biedl syndrome. Last evaluated: 2026-01-28. Review status: criteria provided, single submitter. Criteria: Invitae Variant Classification Sherloc (09022015). Collection method: clinical testing. Allele origin: germline.

Blueprint Genetics
Classification: Likely benign. Last evaluated: 2024-11-22. Review status: criteria provided, single submitter. Criteria: ACMG Guidelines, 2015. Collection method: clinical testing. Allele origin: germline.

Myriad Genetics, Inc.
Classification: Uncertain significance for Bardet-Biedl syndrome 10. Last evaluated: 2021-10-27. Review status: criteria provided, single submitter. Criteria: Myriad Women's Health Autosomal Recessive and X-Linked Classification Criteria (2021). Collection method: clinical testing. Allele origin: unknown.
Comment: NM_024685.3(BBS10):c.1736A>G(K579R) is a missense variant classified as a variant of uncertain significance in the context of Bardet-Biedl syndrome. K579R has been observed in cases with relevant disease (PMID: 16582908, 24488770). Functional assessments of this variant are available in the literature (PMID: 20498079). K579R has been observed in population frequency databases (gnomAD: AFR 0.46%). In summary, there is insufficient evidence to classify NM_024685.3(BBS10):c.1736A>G(K579R) as pathogenic or benign. Please note: this variant was assessed in the context of healthy population screening.

GeneDx
Classification: Uncertain significance. Last evaluated: 2019-09-09. Review status: criteria provided, single submitter. Criteria: GeneDx Variant Classification Process June 2021. Collection method: clinical testing. Allele origin: germline. Affected: yes.
Comment: Published functional studies demonstrate a damaging effect, specifically, in vivo complementation analysis in Zebrafish demonstrates significant difference from wild type, and the authors predict K579R is a null allele (Zaghloul et al., 2010); In silico analysis, which includes protein predictors and evolutionary conservation, supports that this variant does not alter protein structure/function; This variant is associated with the following publications: (PMID: 22995991, 20498079, 16582908, 24488770)

Women's Health and Genetics/Laboratory Corporation of America, LabCorp
Classification: Uncertain significance. Last evaluated: 2018-02-28. Review status: criteria provided, single submitter. Criteria: LabCorp Variant Classification Summary - May 2015. Collection method: clinical testing. Allele origin: germline.
Comment: Variant summary: BBS10 c.1736A>G (p.Lys579Arg) results in a conservative amino acid change located in the Intermediate domain (Stoetzel_NatGen_2006) of the encoded protein sequence. Four of five in-silico tools predict a benign effect of the variant on protein function. The variant allele was found at a frequency of 0.00052 in 120630 control chromosomes. This frequency is not significantly higher than expected for a pathogenic variant in BBS10 causing Bardet-Biedl Syndrome (0.00052 vs 0.0013), allowing no conclusion about variant significance. c.1736A>G has been reported in the literature in individuals affected with Bardet-Biedl Syndrome (Stoetzel_NatGen_2006). This report does not provide unequivocal conclusions about association of the variant with Bardet-Biedl Syndrome. At least one publication reports experimental evidence evaluating an impact on protein function, however, does not allow convincing conclusions about the variant effect. One clinical diagnostic laboratory has submitted clinical-significance assessments for this variant to ClinVar after 2014 without evidence for independent evaluation and classified the variant as uncertain significance. Based on the evidence outlined above, the variant was classified as uncertain significance.

Genetic Services Laboratory, University of Chicago
Classification: Uncertain significance. Last evaluated: 2018-01-25. Review status: criteria provided, single submitter. Criteria: ACMG Guidelines, 2015. Collection method: clinical testing. Allele origin: germline. Affected: no.

Illumina Laboratory Services, Illumina
Classification: Likely benign for Bardet-Biedl syndrome 10. Last evaluated: 2018-01-13. Review status: criteria provided, single submitter. Criteria: ICSL Variant Classification Criteria 13 December 2019. Collection method: clinical testing. Allele origin: germline.
Comment: This variant was observed in the ICSL laboratory as part of a predisposition screen in an ostensibly healthy population. It had not been previously curated by ICSL or reported in the Human Gene Mutation Database (HGMD: prior to June 1st, 2018), and was therefore a candidate for classification through an automated scoring system. Utilizing variant allele frequency, disease prevalence and penetrance estimates, and inheritance mode, an automated score was calculated to assess if this variant is too frequent to cause the disease. Based on the score and internal cut-off values, a variant classified as likely benign is not then subjected to further curation. The score for this variant resulted in a classification of likely benign for this disease.

PreventionGenetics, part of Exact Sciences
Classification: Likely benign. Review status: criteria provided, single submitter. Criteria: ACMG Guidelines, 2015. Collection method: clinical testing. Allele origin: germline.

Natera, Inc.
Classification: Uncertain significance for Bardet-Biedl syndrome type 10. Last evaluated: 2020-02-13. Review status: no assertion criteria provided. Collection method: clinical testing. Allele origin: germline. Not counted in ClinVar's aggregate classification.

Literature cited by the submitters: PubMed 16582908 (cited by Myriad Genetics, Inc. and Women's Health and Genetics/Laboratory Corporation of America, LabCorp); PubMed 24488770 (cited by Myriad Genetics, Inc. and Women's Health and Genetics/Laboratory Corporation of America, LabCorp); PubMed 20498079 (cited by Myriad Genetics, Inc. and Women's Health and Genetics/Laboratory Corporation of America, LabCorp); PubMed 22995991 (cited by Women's Health and Genetics/Laboratory Corporation of America, LabCorp).

NM_024685.4(BBS10):c.1736A>G (p.Lys579Arg)

Gene: BBS10 (Bardet-Biedl syndrome 10; minus strand). Cytogenetic location: 12q21.2.
Variant type: single nucleotide variant.
Coding change: c.1736A>G on transcript NM_024685.4 (MANE Select); coding-DNA position 1736, A replaced by G.
Protein change: p.Lys579Arg; replaces lysine 579 with arginine.
Molecular consequence: missense variant.
Genome position (GRCh38, 1-based): chr12:76,346,249, T>C on the plus strand (A>G on the coding strand, the complement: BBS10 is on the minus strand). VCF-style: chr12-76346249-T-C. GRCh37 (hg19) VCF-style: chr12-76740029-T-C.
Other names: c.1736A>G, p.Lys579Arg (LRG_1255t1); short protein forms K579R.
Identifiers: ClinVar variation 35751 (VCV000035751.27), dbSNP rs141521925, ClinGen allele CA260178.